The following is an entry in ClinVar:

NM_138447.3(ZNF689):c.1323G>C (p.Trp441Cys)

Gene: ZNF689 (zinc finger protein 689; minus strand). Cytogenetic location: 16p11.2.
Variant type: single nucleotide variant.
Coding change: c.1323G>C on transcript NM_138447.3 (MANE Select); coding-DNA position 1323, G replaced by C.
Protein change: p.Trp441Cys; replaces tryptophan 441 with cysteine.
Molecular consequence: missense variant. On other transcripts: non-coding transcript variant (4).
Genome position (GRCh38, 1-based): chr16:30,604,444, C>G on the plus strand (G>C on the coding strand, the complement: ZNF689 is on the minus strand). VCF-style: chr16-30604444-C-G. GRCh37 (hg19) VCF-style: chr16-30615765-C-G.
Other names: short protein forms W441C.
Identifiers: ClinVar variation 2263977 (VCV002263977.3), dbSNP rs1377835356, ClinGen allele CA395574655.

ClinVar aggregate classification (germline): Uncertain significance (1 of 4 stars; one submission).

Allele frequency attached by ClinVar (database versions not stated): gnomAD 0.00001; TOPMed 0.00002.

Submission:

Ambry Genetics
Classification: Uncertain significance. Last evaluated: 2026-02-13. Review status: criteria provided, single submitter. Criteria: Ambry Variant Classification Scheme 2023. Collection method: clinical testing. Allele origin: germline.
Comment: The c.1323G>C (p.W441C) alteration is located in exon 3 (coding exon 3) of the ZNF689 gene. This alteration results from a G to C substitution at nucleotide position 1323, causing the tryptophan (W) at amino acid position 441 to be replaced by a cysteine (C). Based on data from gnomAD, the C allele has an overall frequency of 0.001% (4/278168) total alleles studied. The highest observed frequency was 0.004% (1/24452) of African alleles. Based on insufficient or conflicting evidence, the clinical significance of this alteration remains unclear.